The following is an entry in ClinVar:

ClinVar aggregate classification (germline): Uncertain significance. Review status: criteria provided, multiple submitters, no conflicts (2 of 4 stars). 2 submissions from 2 submitters: Uncertain significance (2). Last evaluated 2025-07-28.

Conditions:
Hereditary cancer-predisposing syndrome. Also called: Tumor predisposition; Neoplastic Syndromes, Hereditary; Hereditary neoplastic syndrome; Hereditary Cancer Syndrome. Identifiers: Orphanet 140162, MedGen C0027672, MeSH D009386, MONDO:0015356.
Ataxia-telangiectasia syndrome (AT). Also called: Ataxia-telangiectasia; Cerebello-oculocutaneous telangiectasia; Immunodeficiency with ataxia telangiectasia; Ataxia-telangiectasia, complementation group D; AT, COMPLEMENTATION GROUP C; ATAXIA-TELANGIECTASIA, COMPLEMENTATION GROUP A. Identifiers: Orphanet 100, MedGen C0004135, MONDO:0008840, OMIM 208900.

Submissions (2):

Labcorp Genetics (formerly Invitae), Labcorp
Classification: Uncertain significance for Ataxia-telangiectasia syndrome. Last evaluated: 2025-07-28. Review status: criteria provided, single submitter. Criteria: Invitae Variant Classification Sherloc (09022015). Collection method: clinical testing. Allele origin: germline.
Comment: This sequence change replaces leucine, which is neutral and non-polar, with arginine, which is basic and polar, at codon 1176 of the ATM protein (p.Leu1176Arg). This variant is not present in population databases (gnomAD no frequency). This variant has not been reported in the literature in individuals affected with ATM-related conditions. ClinVar contains an entry for this variant (Variation ID: 142845). Invitae Evidence Modeling of protein sequence and biophysical properties (such as structural, functional, and spatial information, amino acid conservation, physicochemical variation, residue mobility, and thermodynamic stability) has been performed for this missense variant. However, the output from this modeling did not meet the statistical confidence thresholds required to predict the impact of this variant on ATM protein function. In summary, the available evidence is currently insufficient to determine the role of this variant in disease. Therefore, it has been classified as a Variant of Uncertain Significance.

Ambry Genetics
Classification: Uncertain significance for Hereditary cancer-predisposing syndrome. Last evaluated: 2019-11-01. Review status: criteria provided, single submitter. Criteria: Ambry Variant Classification Scheme 2023. Collection method: clinical testing. Allele origin: germline.
Comment: The p.L1176R variant (also known as c.3527T>G), located in coding exon 23 of the ATM gene, results from a T to G substitution at nucleotide position 3527. The leucine at codon 1176 is replaced by arginine, an amino acid with dissimilar properties. This amino acid position is well conserved in available vertebrate species. In addition, this alteration is predicted to be deleterious by in silico analysis. Since supporting evidence is limited at this time, the clinical significance of this alteration remains unclear.

NM_000051.4(ATM):c.3527T>G (p.Leu1176Arg)

Gene: ATM (ATM serine/threonine kinase; plus strand). Cytogenetic location: 11q22.3.
Variant type: single nucleotide variant.
Coding change: c.3527T>G on transcript NM_000051.4 (MANE Select); coding-DNA position 3527, T replaced by G.
Protein change: p.Leu1176Arg; replaces leucine 1176 with arginine.
Molecular consequence: missense variant.
Genome position (GRCh38, 1-based): chr11:108,281,119, T>G. VCF-style: chr11-108281119-T-G. GRCh37 (hg19) VCF-style: chr11-108151846-T-G.
Other names: c.3527T>G, p.Leu1176Arg (NM_001351834.2); short protein forms L1176R.
Identifiers: ClinVar variation 142845 (VCV000142845.6), dbSNP rs587782762, ClinGen allele CA169557.